The following is an entry in ClinVar:

ClinVar aggregate classification (germline): Uncertain significance. Review status: criteria provided, multiple submitters, no conflicts (2 of 4 stars). 4 submissions from 4 submitters: Uncertain significance (3). 1 of the submissions does not count toward it. Last evaluated 2024-02-01.

Conditions:
Maturity-onset diabetes of the young type 9 (MODY9). Identifiers: Orphanet 552, MedGen C2677132, MONDO:0012818, OMIM 612225.

Allele frequency attached by ClinVar (database versions not stated): gnomAD 0.00004 and 0.00003; gnomAD exomes 0.00005; ExAC 0.00007; TOPMed 0.00003.
gnomAD v4.1: 39 of 1,613,916 alleles (0.0024%); highest among the groups gnomAD compares: African/African-American, 0.0067%; no homozygotes.

Submissions (4):

CeGaT Center for Human Genetics Tuebingen
Classification: Uncertain significance. Last evaluated: 2024-02-01. Review status: criteria provided, single submitter. Criteria: CeGaT Center For Human Genetics Tuebingen Variant Classification Criteria Version 2. Collection method: clinical testing. Allele origin: germline. Affected: yes. Observed: 1 variant allele.
Comment: PAX4: PM2:Supporting, PP1, PS3:Supporting

Victorian Clinical Genetics Services, Murdoch Childrens Research Institute
Classification: Uncertain significance for Maturity-onset diabetes of the young type 9. Last evaluated: 2023-07-16. Review status: criteria provided, single submitter. Criteria: ACMG Guidelines, 2015. Collection method: clinical testing. Allele origin: germline. Inheritance: Autosomal dominant inheritance. Affected: yes.
Comment: Based on the classification scheme VCGS_Germline_v1.3.4, this variant is classified as VUS-3B. Following criteria are met: 0105 - The mechanism of disease for this gene is not clearly established. Loss of function has been suggested as the mechanism of disease, but dominant negative has not been excluded (PMID: 17426099). (I) 0107 - This gene is associated with autosomal dominant disease. (I) 0200 - Variant is predicted to result in a missense amino acid change from arginine to tryptophan. (I) 0251 - This variant is heterozygous. (I) 0302 - Variant is present in gnomAD (v2) <0.001 for a dominant condition (14 heterozygotes, 0 homozygotes). (SP) 0309 - An alternative amino acid change at the same position has been observed in gnomAD (v2) (12 heterozygotes, 0 homozygotes). (I) 0501 - Missense variant consistently predicted to be damaging by multiple in silico tools or highly conserved with a major amino acid change. (SP) 0600 - Variant is located in the annotated homeodomain (PMID: 17426099). (I) 0704 - Another missense variant comparable to the one identified in this case has limited previous evidence for pathogenicity. p.(Arg164Gln) has been observed as heterozygous in several members of a large family with type 2 diabetes mellitus or impaired glucose tolerance (PMID: 32801813). This variant has also been classified as a VUS by two clinical laboratoies in ClinVar and in the literature (PMID: 34135026). (SP) 0803 - This variant has limited previous evidence of pathogenicity in an unrelated individual. This variant has been observed in three members of one family with type 2 diabetes mellitus and one member with impaired glucose tolerance, but was not observed in two other members of this family who also had impaired glucose tolerance (PMID: 17426099) (SP) 0906 - Segregation evidence for this variant is inconclusive. This variant has been observed in three members of one family with type 2 diabetes mellitus and 1 member with impaired glucose tolerance, but was not observed in another two family members with impaired glucose tolerance (PMID: 32801813). (I) 1002 - This variant has moderate functional evidence supporting abnormal protein function. This variant has been shown to reduce the repression of insulin activity compared to WT cells (PMID: 17426099). (SP) 1208 - Inheritance information for this variant is not currently available in this individual. (I) Legend: (SP) - Supporting pathogenic, (I) - Information, (SB) - Supporting benign

Labcorp Genetics (formerly Invitae), Labcorp
Classification: Uncertain significance. Last evaluated: 2023-03-08. Review status: criteria provided, single submitter. Criteria: Invitae Variant Classification Sherloc (09022015). Collection method: clinical testing. Allele origin: germline.
Comment: This sequence change replaces arginine, which is basic and polar, with tryptophan, which is neutral and slightly polar, at codon 164 of the PAX4 protein (p.Arg164Trp). This variant is present in population databases (rs121917718, gnomAD 0.01%). This missense change has been observed in individual(s) with clinical features of maturity-onset diabetes of the young (PMID: 17426099). ClinVar contains an entry for this variant (Variation ID: 13793). An algorithm developed to predict the effect of missense changes on protein structure and function (PolyPhen-2) suggests that this variant is likely to be disruptive. Experimental studies have shown that this missense change affects PAX4 function (PMID: 17426099, 25951767). Algorithms developed to predict the effect of sequence changes on RNA splicing suggest that this variant may disrupt the consensus splice site. In summary, the available evidence is currently insufficient to determine the role of this variant in disease. Therefore, it has been classified as a Variant of Uncertain Significance.

OMIM
Classification: Pathogenic for MATURITY-ONSET DIABETES OF THE YOUNG, TYPE 9. Last evaluated: 2007-07-01. Review status: no assertion criteria provided. Collection method: literature only. Allele origin: germline. Not counted in ClinVar's aggregate classification.

Literature cited by the submitters: PubMed 17426099 (cited by 3 submitters); PubMed 32801813 (cited by Victorian Clinical Genetics Services, Murdoch Childrens Research Institute); PubMed 34135026 (cited by Victorian Clinical Genetics Services, Murdoch Childrens Research Institute); PubMed 25951767 (cited by Labcorp Genetics (formerly Invitae), Labcorp).

NM_001366110.1(PAX4):c.514C>T (p.Arg172Trp)

Gene: PAX4 (paired box 4; minus strand). Cytogenetic location: 7q32.1.
Variant type: single nucleotide variant.
Coding change: c.514C>T on transcript NM_001366110.1 (MANE Select); coding-DNA position 514, C replaced by T.
Protein change: p.Arg172Trp; replaces arginine 172 with tryptophan.
Molecular consequence: missense variant.
Genome position (GRCh38, 1-based): chr7:127,613,804, G>A on the plus strand (C>T on the coding strand, the complement: PAX4 is on the minus strand). VCF-style: chr7-127613804-G-A. GRCh37 (hg19) VCF-style: chr7-127253858-G-A.
Other names: R64W; NM_006193.2:c.490C>T; c.514C>T, p.Arg172Trp (NM_001366111.1); short protein forms R172W.
Identifiers: ClinVar variation 13793 (VCV000013793.27), dbSNP rs121917718, ClinGen allele CA123479.